The following is an entry in ClinVar:

ClinVar aggregate classification (germline): Benign. Review status: reviewed by expert panel (3 of 4 stars). 2 submissions from 2 submitters: Benign (1). 1 of the submissions does not count toward it. Last evaluated 2024-06-24.

Conditions:
Hereditary thrombocytopenia and hematologic cancer predisposition syndrome. Identifiers: Orphanet 71290, MedGen CN281654, MONDO:0011071.

Submissions (2):

ClinGen Myeloid Malignancy Variant Curation Expert Panel
Classification: Benign for Hereditary thrombocytopenia and hematologic cancer predisposition syndrome. Last evaluated: 2024-06-24. Review status: reviewed by expert panel. Criteria: ClinGen MyeloMalig ACMG Specifications v2. Collection method: curation. Allele origin: germline. Inheritance: Autosomal dominant inheritance.
Comment: NM_001754.5(RUNX1):c.98-147dup is an intronic variant. The highest population minor allele frequency in gnomAD v3.1.2 continental dataset with at least 2,000 alleles tested is 0.36 (5874/16342 alleles) in European (non-Finnish) population, which is higher than the ClinGen MMVCEP threshold (>0.0015) for BA1, and therefore meets this criterion (BA1). This is a synonymous (silent) variant that is not predicted by SpliceAI to impact splicing (0.06). In addition, it occurs at a nucleotide that is not conserved as shown by PhyloP100 (-1.9) (BP4, BP7). This variant was also reported in Clinvar in 2020 by GeneDx but the affected status of the phenotype is unknown (Variation ID 1221571). In summary, the clinical significance of this variant is benign. ACMG/AMP criteria applied, as specified by the Myeloid Malignancy Variant Curation Expert Panel for RUNX1: BA1, BP4, BP7

GeneDx
Classification: Benign. Last evaluated: 2020-01-01. Review status: criteria provided, single submitter. Criteria: GeneDx Variant Classification Process June 2021. Collection method: clinical testing. Allele origin: germline. Affected: yes. Not counted in ClinVar's aggregate classification.

NM_001754.5(RUNX1):c.98-155dup

Gene: RUNX1 (RUNX family transcription factor 1; minus strand). Cytogenetic location: 21q22.12.
Variant type: Duplication.
Coding change: c.98-155dup on transcript NM_001754.5 (MANE Select); 155 bases into the intron before coding-DNA position 98, one base duplicated (C; older notation c.98-155dupC).
Molecular consequence: intron variant. On other transcripts: 5 prime UTR variant (2).
Genome position (GRCh38, 1-based): chr21:34,887,243, G duplicated on the plus strand (C on the coding strand, the reverse complement: RUNX1 is on the minus strand); the first of 9 consecutive G bases (chr21:34,887,243-34,887,251); duplicating any one gives the same sequence. VCF-style (leftmost placement, unchanged base first): chr21-34887242-T-TG. GRCh37 (hg19) VCF-style: chr21-36259539-T-TG.
Other names: c.-131dup (NM_001001890.3, NM_001122607.2).
Identifiers: ClinVar variation 1221571 (VCV001221571.4), dbSNP rs3833348, ClinGen allele CA320643161.